The following is an entry in ClinVar:

ClinVar aggregate classification (germline): Conflicting classifications of pathogenicity. Review status: criteria provided, conflicting classifications (1 of 4 stars). 4 submissions from 4 submitters: Likely pathogenic (2); Uncertain significance (1). 1 of the submissions does not count toward it. Last evaluated 2026-03-31.

Conditions:
Mucopolysaccharidosis, MPS-II (MPS2). Also called: IDS deficiency; Sulfoiduronate sulfatase deficiency; SIDS deficiency; Mucopolysaccharidosis type 2; Mucopolysaccharidosis with skin involvement; Attenuated MPS (subtype; formerly known as mild MPS II). Identifiers: Orphanet 580, Orphanet 79388, MedGen C0026705, MONDO:0010674, OMIM 309900.
IDS-related disorder. Also called: IDS-related condition.

Submissions (4):

GeneDx
Classification: Likely pathogenic. Last evaluated: 2026-03-31. Review status: criteria provided, single submitter. Criteria: GeneDx Variant Classification Process June 2021. Collection method: clinical testing. Allele origin: germline.
Comment: In silico analysis supports that this missense variant has a deleterious effect on protein structure/function; In silico analysis supports a deleterious effect on splicing; Not observed at significant frequency in large population cohorts (gnomAD); This variant is associated with the following publications: (PMID: 28844463, 22976768, 39617925)

Laboratory of Diagnosis and Therapy of Lysosomal Disorders, University of Padova
Classification: Likely pathogenic for Mucopolysaccharidosis, MPS-II. Last evaluated: 2024-06-07. Review status: criteria provided, single submitter. Criteria: ACMG Guidelines, 2015. Collection method: literature only. Allele origin: germline. Affected: yes. Observed: 1 variant allele.
Comment: Absent from controls (or at low frequency) in gnomAD database (PM2_Moderate), Missense variant in a gene with a low rate of benign missense variation (PP2_Supporting), Multiple lines of computational evidence support a deleterious effect (PP3_Supporting), Patient’s phenotype or family history highly specific for the disease (PP4_Strong)

Classification method: ACMG Guidelines [PMID:25741868] with modifications

Women's Health and Genetics/Laboratory Corporation of America, LabCorp
Classification: Uncertain significance. Last evaluated: 2023-05-17. Review status: criteria provided, single submitter. Criteria: LabCorp Variant Classification Summary - May 2015. Collection method: clinical testing. Allele origin: germline.
Comment: Variant summary: IDS c.400G>A (p.Gly134Arg) results in a non-conservative amino acid change located in the Sulfatase, N-terminal (IPR000917) of the encoded protein sequence. Five of five in-silico tools predict a damaging effect of the variant on protein function. The variant was absent in 173048 control chromosomes. The available data on variant occurrences in the general population are insufficient to allow any conclusion about variant significance. c.400G>A has been reported in the literature in individuals affected with Mucopolysaccharidosis (Pollard_2013). This report does not provide unequivocal conclusions about association of the variant with Mucopolysaccharidosis Type II (Hunter Syndrome). Other variants affecting the same amino acid (p.G134V and p.G134E) have been associated with Mucopolysaccharidosis II in HGMD, however the evidence is insufficient at this time to determine a role for this variant in disease. To our knowledge, no experimental evidence demonstrating an impact on protein function has been reported. The following publication have been ascertained in the context of this evaluation (PMID: 22976768). No clinical diagnostic laboratories have submitted clinical-significance assessments for this variant to ClinVar after 2014. Based on the evidence outlined above, the variant was classified as uncertain significance.

PreventionGenetics, part of Exact Sciences
Classification: Likely pathogenic for IDS-related condition. Last evaluated: 2024-03-27. Review status: no assertion criteria provided. Collection method: clinical testing. Allele origin: germline. Not counted in ClinVar's aggregate classification.
Comment: The IDS c.400G>A variant is predicted to result in the amino acid substitution p.Gly134Arg. This variant was reported in an individual with Mucopolysaccharidosis II (MPS II.) with complete loss of iduronate-2-sulfatase activity (Table 3, Pollard et al. 2013. PubMed ID: 22976768) and in another individual with MPS II. with severe phenotype (Table2, Rathmann et al. 1996. PubMed ID: 8940265). Alternative variants at the same codon p.Gly134Glu and p.Gly134Val have been reported in individuals with MPS II (Table 3, Pollard et al. 2013. PubMed ID: 22976768; Amartino et al. 2014. PubMed ID: 27896113; Yassaee et al. 2017. PubMed ID: 28844463). This variant has not been reported in a large population database, indicating this variant is rare. This variant is interpreted as likely pathogenic.

Literature cited by the submitters: PubMed 22976768 (cited by Laboratory of Diagnosis and Therapy of Lysosomal Disorders, University of Padova and Women's Health and Genetics/Laboratory Corporation of America, LabCorp).

NM_000202.8(IDS):c.400G>A (p.Gly134Arg)

Gene: IDS (iduronate 2-sulfatase; minus strand). Cytogenetic location: Xq28.
Variant type: single nucleotide variant.
Coding change: c.400G>A on transcript NM_000202.8 (MANE Select); coding-DNA position 400, G replaced by A.
Protein change: p.Gly134Arg; replaces glycine 134 with arginine.
Molecular consequence: missense variant. On other transcripts: non-coding transcript variant (1).
Genome position (GRCh38, 1-based): chrX:149,503,330, C>T on the plus strand (G>A on the coding strand, the complement: IDS is on the minus strand). VCF-style: chrX-149503330-C-T. GRCh37 (hg19) VCF-style: chrX-148584860-C-T.
Other names: c.130G>A, p.Gly44Arg (NM_001166550.4); c.400G>A, p.Gly134Arg (NM_006123.5); c.400G>A (NM_000202.4); short protein forms G134R, G44R.
Identifiers: ClinVar variation 2506150 (VCV002506150.5), dbSNP rs2520895308, ClinGen allele CA414525647.